The following is an entry in ClinVar:

ClinVar aggregate classification (germline): Uncertain significance (1 of 4 stars; one submission).

gnomAD v4.1: 4 of 1,614,180 alleles (0.00025%); highest among the groups gnomAD compares: Non-Finnish European, 0.00034%; no homozygotes.

Submission:

Ambry Genetics
Classification: Uncertain significance. Last evaluated: 2023-08-26. Review status: criteria provided, single submitter. Criteria: Ambry Variant Classification Scheme 2023. Collection method: clinical testing. Allele origin: germline.
Comment: The p.D1309E variant (also known as c.3927T>G), located in coding exon 4 of the ALPK2 gene, results from a T to G substitution at nucleotide position 3927. The aspartic acid at codon 1309 is replaced by glutamic acid, an amino acid with highly similar properties. This amino acid position is conserved. In addition, this alteration is predicted to be tolerated by in silico analysis. Since supporting evidence is limited at this time, the clinical significance of this alteration remains unclear.

NM_052947.4(ALPK2):c.3927T>G (p.Asp1309Glu)

Genes: ALPK2 (alpha kinase 2; minus strand), LOC126862764 (BRD4-independent group 4 enhancer GRCh37_chr18:56202574-56203773; plus strand). Cytogenetic location: 18q21.31.
Variant type: single nucleotide variant.
Coding change: c.3927T>G on transcript NM_052947.4 (MANE Select); coding-DNA position 3927, T replaced by G.
Protein change: p.Asp1309Glu; replaces aspartic acid 1309 with glutamic acid.
Molecular consequence: missense variant.
Genome position (GRCh38, 1-based): chr18:58,536,260, A>C on the plus strand (T>G on the coding strand, the complement: ALPK2 is on the minus strand). VCF-style: chr18-58536260-A-C. GRCh37 (hg19) VCF-style: chr18-56203492-A-C.
Other names: short protein forms D1309E.
Identifiers: ClinVar variation 2626741 (VCV002626741.2), dbSNP rs1465135953, ClinGen allele CA402565154.
Genomic context (GRCh38, chr18:58,536,260, plus strand): 5'-AGAAAGACTTCTCCAATGTACACTGATGGTGGGCTCTTCGCCTTTATGGCTTTCTCTGCT[A>C]TCAGCAAGGGCTGACTCAGCATCCTCTGGACTGTGAGCCAATGCTGCTATTTCAGAGGGG-3'
Protein context (NP_443179.3, residues 1299-1319): SPEDAESALA[Asp1309Glu]SRESHKGEEP